The following is an entry in ClinVar:

NM_000548.5(TSC2):c.5241C>G (p.Ile1747Met)

Gene: TSC2 (TSC complex subunit 2; plus strand). Cytogenetic location: 16p13.3.
Variant type: single nucleotide variant.
Coding change: c.5241C>G on transcript NM_000548.5 (MANE Select); coding-DNA position 5241, C replaced by G.
Protein change: p.Ile1747Met; replaces isoleucine 1747 with methionine.
Molecular consequence: missense variant.
Genome position (GRCh38, 1-based): chr16:2,088,307, C>G. VCF-style: chr16-2088307-C-G. GRCh37 (hg19) VCF-style: chr16-2138308-C-G.
Other names: c.5040C>G, p.Ile1680Met (NM_001077183.3); c.5172C>G, p.Ile1724Met (NM_001114382.3); c.4932C>G, p.Ile1644Met (NM_001318827.2); c.4896C>G, p.Ile1632Met (NM_001318829.2); c.4509C>G, p.Ile1503Met (NM_001318831.2); c.5031C>G, p.Ile1677Met (NM_001406671.1); c.5028C>G, p.Ile1676Met (NM_001406673.1); c.5025C>G, p.Ile1675Met (NM_001406675.1); and 27 more; short protein forms I1524M, I1631M, I1676M, I1677M, I1711M, I1721M, I1146M, I1255M.
Identifiers: ClinVar variation 2151949 (VCV002151949.5), dbSNP rs2151632082, ClinGen allele CA394314649.

ClinVar aggregate classification (germline): Uncertain significance. Review status: criteria provided, multiple submitters, no conflicts (2 of 4 stars). 2 submissions from 2 submitters: Uncertain significance (2). Last evaluated 2026-03-23.

Conditions:
Hereditary cancer-predisposing syndrome. Also called: Tumor predisposition; Hereditary Cancer Syndrome; Hereditary neoplastic syndrome; Neoplastic Syndromes, Hereditary. Identifiers: Orphanet 140162, MedGen C0027672, MeSH D009386, MONDO:0015356.
Tuberous sclerosis 2 (TSC2). Identifiers: Orphanet 805, MedGen C1860707, MONDO:0013199, OMIM 613254.

Submissions (2):

Ambry Genetics
Classification: Uncertain significance for Hereditary cancer-predisposing syndrome. Last evaluated: 2026-03-23. Review status: criteria provided, single submitter. Criteria: Ambry Variant Classification Scheme 2023. Collection method: clinical testing. Allele origin: germline.
Comment: The p.I1747M variant (also known as c.5241C>G), located in coding exon 40 of the TSC2 gene, results from a C to G substitution at nucleotide position 5241. The isoleucine at codon 1747 is replaced by methionine, an amino acid with highly similar properties. This amino acid position is well conserved in available vertebrate species. In addition, this alteration is predicted to be deleterious by in silico analysis. Based on the available evidence, the clinical significance of this variant remains unclear.

Labcorp Genetics (formerly Invitae), Labcorp
Classification: Uncertain significance for Tuberous sclerosis 2. Last evaluated: 2024-10-31. Review status: criteria provided, single submitter. Criteria: Invitae Variant Classification Sherloc (09022015). Collection method: clinical testing. Allele origin: germline.
Comment: This sequence change replaces isoleucine, which is neutral and non-polar, with methionine, which is neutral and non-polar, at codon 1747 of the TSC2 protein (p.Ile1747Met). This variant is not present in population databases (gnomAD no frequency). This variant has not been reported in the literature in individuals affected with TSC2-related conditions. ClinVar contains an entry for this variant (Variation ID: 2151949). Invitae Evidence Modeling of protein sequence and biophysical properties (such as structural, functional, and spatial information, amino acid conservation, physicochemical variation, residue mobility, and thermodynamic stability) indicates that this missense variant is not expected to disrupt TSC2 protein function with a negative predictive value of 95%. This variant disrupts the p.Ile1747Asn amino acid residue in TSC2. Other variant(s) that disrupt this residue have been determined to be pathogenic (PMID: 36030538; internal data). This suggests that this residue is clinically significant, and that variants that disrupt this residue are likely to be disease-causing. In summary, the available evidence is currently insufficient to determine the role of this variant in disease. Therefore, it has been classified as a Variant of Uncertain Significance.

Literature cited by the submitters: PubMed 36030538 (cited by Labcorp Genetics (formerly Invitae), Labcorp).